The following is an entry in ClinVar:

NM_001009944.3(PKD1):c.8769G>C (p.Gln2923His)

Gene: PKD1 (polycystin 1, transient receptor potential channel interacting; minus strand). Cytogenetic location: 16p13.3.
Variant type: single nucleotide variant.
Coding change: c.8769G>C on transcript NM_001009944.3 (MANE Select); coding-DNA position 8769, G replaced by C.
Protein change: p.Gln2923His; replaces glutamine 2923 with histidine.
Molecular consequence: missense variant.
Genome position (GRCh38, 1-based): chr16:2,103,288, C>G on the plus strand (G>C on the coding strand, the complement: PKD1 is on the minus strand). VCF-style: chr16-2103288-C-G. GRCh37 (hg19) VCF-style: chr16-2153289-C-G.
Other names: c.8769G>C (NM_000296.3); c.8769G>C, p.Gln2923His (NM_000296.4); short protein forms Q2923H.
Identifiers: ClinVar variation 1805143 (VCV001805143.7), dbSNP rs954124689, ClinGen allele CA276775848.

ClinVar aggregate classification (germline): Uncertain significance. Review status: criteria provided, multiple submitters, no conflicts (2 of 4 stars). 5 submissions from 5 submitters: Uncertain significance (5). Last evaluated 2026-07-01.

Conditions:
Polycystic kidney disease, adult type (PKD1). Also called: Polycystic Kidney Disease 1, Autosomal Dominant; Polycystic kidney disease 1; Polycystic kidney disease 1, severe; Polycystic Kidney, Autosomal Dominant; POLYCYSTIC KIDNEY DISEASE 1 WITH OR WITHOUT POLYCYSTIC LIVER DISEASE; POLYCYSTIC KIDNEY DISEASE, ADULT, TYPE I. Identifiers: MedGen C3149841, MONDO:0008263, OMIM 173900.
Inborn genetic diseases. Identifiers: MedGen C0950123, MeSH D030342.

Allele frequency attached by ClinVar (database versions not stated): TOPMed below 0.00001.
gnomAD v4.1: 8 of 1,609,706 alleles (0.0005%); highest among the groups gnomAD compares: East Asian, 0.0022%; no homozygotes.

Submissions (5):

CeGaT Center for Human Genetics Tuebingen
Classification: Uncertain significance. Last evaluated: 2026-07-01. Review status: criteria provided, single submitter. Criteria: CeGaT Center For Human Genetics Tuebingen Variant Classification Criteria Version 2. Collection method: clinical testing. Allele origin: germline. Affected: yes. Observed: 1 variant allele.
Comment: PKD1: PM2, BP4

Fulgent Genetics
Classification: Uncertain significance for Polycystic kidney disease, adult type. Last evaluated: 2024-04-24. Review status: criteria provided, single submitter. Criteria: ACMG Guidelines, 2015. Collection method: clinical testing. Allele origin: germline.

GeneDx
Classification: Uncertain significance. Last evaluated: 2024-02-08. Review status: criteria provided, single submitter. Criteria: GeneDx Variant Classification Process June 2021. Collection method: clinical testing. Allele origin: germline. Affected: yes.
Comment: Not observed at significant frequency in large population cohorts (gnomAD); In silico analysis supports that this missense variant does not alter protein structure/function; Has not been previously published as pathogenic or benign to our knowledge

Victorian Clinical Genetics Services, Murdoch Childrens Research Institute
Classification: Uncertain significance for Polycystic kidney disease, adult type. Last evaluated: 2022-02-02. Review status: criteria provided, single submitter. Criteria: ACMG Guidelines, 2015. Collection method: clinical testing. Allele origin: germline. Inheritance: Autosomal dominant inheritance.
Comment: Based on the classification scheme VCGS_Germline_v1.3.4, this variant is classified as VUS-3C. Following criteria are met: 0102 - Loss of function is a known mechanism of disease in this gene and is associated with Polycystic kidney disease 1 (MIM#173900). (I) 0107 - This gene is associated with autosomal dominant disease. Polycystic kidney disease 1 (MIM#173900) is predominantly caused by monoallelic variants, with rare reports of biallelic variants causing disease (OMIM). (I) 0200 - Variant is predicted to result in a missense amino acid change from glutamine to histidine. (I) 0251 - This variant is heterozygous. (I) 0302 - Variant is present in gnomAD (v2) <0.001 for a dominant condition (1 heterozygote, 0 homozygotes). (SP) 0309 - Multiple alternative amino acid changes at the same position have been observed in gnomAD (v2) (highest allele count: 2 heterozygotes, 0 homozygotes). (I) 0503 - Missense variant consistently predicted to be tolerated by multiple in silico tools or not conserved in placental mammals with a minor amino acid change. (SB) 0604 - Variant is not located in an established domain, motif, hotspot or informative constraint region. (I) 0705 - No comparable missense variants have previous evidence for pathogenicity. (I) 0807 - This variant has no previous evidence of pathogenicity. (I) 0905 - No published segregation evidence has been identified for this variant. (I) 1007 - No published functional evidence has been identified for this variant. (I) 1208 - Inheritance information for this variant is not currently available in this individual. (I) Legend: (SP) - Supporting pathogenic, (I) - Information, (SB) - Supporting benign

Ambry Genetics
Classification: Uncertain significance for Inborn genetic diseases. Last evaluated: 2021-11-29. Review status: criteria provided, single submitter. Criteria: Ambry Variant Classification Scheme 2023. Collection method: clinical testing. Allele origin: germline.